The following is an entry in ClinVar:

ClinVar aggregate classification (germline): Uncertain significance (1 of 4 stars; one submission).

Conditions:
Immunodeficiency 132A. Also called: Herpes simplex encephalitis, susceptibility to, 3. Identifiers: Orphanet 1930, MedGen C3553868, MONDO:0013920, OMIM 614849.

Submission:

Labcorp Genetics (formerly Invitae), Labcorp
Classification: Uncertain significance for Immunodeficiency 132A. Last evaluated: 2024-10-16. Review status: criteria provided, single submitter. Criteria: Invitae Variant Classification Sherloc (09022015). Collection method: clinical testing. Allele origin: germline.
Comment: This sequence change replaces proline, which is neutral and non-polar, with alanine, which is neutral and non-polar, at codon 339 of the TRAF3 protein (p.Pro339Ala). This variant is not present in population databases (gnomAD no frequency). This variant has not been reported in the literature in individuals affected with TRAF3-related conditions. ClinVar contains an entry for this variant (Variation ID: 852725). An algorithm developed to predict the effect of missense changes on protein structure and function (PolyPhen-2) suggests that this variant is likely to be tolerated. In summary, the available evidence is currently insufficient to determine the role of this variant in disease. Therefore, it has been classified as a Variant of Uncertain Significance.

NM_145725.3(TRAF3):c.1015C>G (p.Pro339Ala)

Gene: TRAF3 (TNF receptor associated factor 3; plus strand). Cytogenetic location: 14q32.32.
Variant type: single nucleotide variant.
Coding change: c.1015C>G on transcript NM_145725.3 (MANE Select); coding-DNA position 1015, C replaced by G.
Protein change: p.Pro339Ala; replaces proline 339 with alanine.
Molecular consequence: missense variant.
Genome position (GRCh38, 1-based): chr14:102,903,309, C>G. VCF-style: chr14-102903309-C-G. GRCh37 (hg19) VCF-style: chr14-103369646-C-G.
Other names: c.766C>G, p.Pro256Ala (NM_001199427.2); c.874C>G, p.Pro292Ala (NM_001385142.1); c.934C>G, p.Pro312Ala (NM_001385143.1); c.1015C>G, p.Pro339Ala (NM_003300.4); c.940C>G, p.Pro314Ala (NM_145726.3); short protein forms P339A, P256A, P314A, P292A, P312A.
Identifiers: ClinVar variation 852725 (VCV000852725.10), dbSNP rs1890399265, ClinGen allele CA391074451.